The following is an entry in ClinVar:

ClinVar aggregate classification (germline): Pathogenic. Review status: reviewed by expert panel (3 of 4 stars). 3 submissions from 3 submitters: Pathogenic (1). 2 of the submissions do not count toward it. Last evaluated 2017-12-15.

Conditions:
Breast-ovarian cancer, familial, susceptibility to, 2 (BROVCA2). Also called: BRCA2 Hereditary Breast and Ovarian Cancer. Identifiers: Orphanet 145, MedGen C2675520, MONDO:0012933, OMIM 612555. Disease mechanism: loss of function.
Hereditary cancer-predisposing syndrome. Also called: Hereditary Cancer Syndrome; Hereditary neoplastic syndrome; Tumor predisposition; Neoplastic Syndromes, Hereditary. Identifiers: Orphanet 140162, MedGen C0027672, MeSH D009386, MONDO:0015356.
Hereditary breast ovarian cancer syndrome. Also called: Hereditary breast and ovarian cancer syndrome; BRCA1- and BRCA2-Associated Hereditary Breast and Ovarian Cancer; Hereditary breast and ovarian cancer syndrome (HBOC); Hereditary breast and/or ovarian cancer syndrome; Hereditary breast and ovarian cancer; Breast and ovarian cancer. Identifiers: Orphanet 145, MedGen C0677776, MeSH D061325, MONDO:0003582. Disease mechanism: loss of function.

Submissions (3):

Evidence-based Network for the Interpretation of Germline Mutant Alleles (ENIGMA)
Classification: Pathogenic for Breast-ovarian cancer, familial, susceptibility to, 2. Last evaluated: 2017-12-15. Review status: reviewed by expert panel. Criteria: ENIGMA BRCA1/2 Classification Criteria (2017-06-29). Collection method: curation. Allele origin: germline. Study: ENIGMA.
Comment: Variant allele predicted to encode a truncated non-functional protein.

Labcorp Genetics (formerly Invitae), Labcorp
Classification: Pathogenic for Hereditary breast ovarian cancer syndrome. Last evaluated: 2019-03-04. Review status: criteria provided, single submitter. Criteria: Invitae Variant Classification Sherloc (09022015). Collection method: clinical testing. Allele origin: germline. Not counted in ClinVar's aggregate classification.
Comment: For these reasons, this variant has been classified as Pathogenic. Loss-of-function variants in BRCA2 are known to be pathogenic (PMID: 20104584). This variant has not been reported in the literature in individuals with BRCA2-related conditions. ClinVar contains an entry for this variant (Variation ID: 441336). This variant is not present in population databases (ExAC no frequency). This sequence change creates a premature translational stop signal (p.Lys115*) in the BRCA2 gene. It is expected to result in an absent or disrupted protein product.

Ambry Genetics
Classification: Pathogenic for Hereditary cancer-predisposing syndrome. Last evaluated: 2016-05-04. Review status: criteria provided, single submitter. Criteria: Ambry Variant Classification Scheme 2023. Collection method: clinical testing. Allele origin: germline. Not counted in ClinVar's aggregate classification.
Comment: The c.342dupT pathogenic mutation, located in coding exon 3 of the BRCA2 gene, results from a duplication of T at nucleotide position 342, causing a translational frameshift with a predicted alternate stop codon. Since frameshifts are typically deleterious in nature, this alteration is interpreted as a disease-causing mutation (ACMG Recommendations for Standards for Interpretation and Reporting of Sequence Variations. Revision 2007. Genet Med. 2008;10:294).

Literature cited by the submitters: PubMed 20104584 (cited by Labcorp Genetics (formerly Invitae), Labcorp).

NM_000059.4(BRCA2):c.342dup (p.Lys115Ter)

Gene: BRCA2 (BRCA2 DNA repair associated; plus strand). Cytogenetic location: 13q13.1.
Variant type: Duplication.
Coding change: c.342dup on transcript NM_000059.4 (MANE Select); coding-DNA position 342, one base duplicated (T; older notation c.342dupT).
Protein change: p.Lys115Ter; replaces lysine 115 with a stop codon.
Molecular consequence: nonsense.
Genome position (GRCh38, 1-based): chr13:32,325,101, T duplicated. VCF-style (leftmost placement, unchanged base first): chr13-32325100-A-AT. GRCh37 (hg19) VCF-style: chr13-32899237-A-AT.
Other names: c.342dupT (NM_000059.3); short protein forms K115*.
Identifiers: ClinVar variation 441336 (VCV000441336.13), dbSNP rs1555280845, ClinGen allele CA658653661.